The following is an entry in ClinVar:

NC_000007.13:g.(?_75677479)_(75687416_?)dup

Gene: MDH2 (malate dehydrogenase 2; plus strand). Cytogenetic location: 7q11.23.
Variant type: Duplication.
Identifiers: ClinVar variation 1440472 (VCV001440472.3).

ClinVar aggregate classification (germline): Uncertain significance (1 of 4 stars; one submission).

Submission:

Labcorp Genetics (formerly Invitae), Labcorp
Classification: Uncertain significance. Last evaluated: 2021-08-15. Review status: criteria provided, single submitter. Criteria: Invitae Variant Classification Sherloc (09022015). Collection method: clinical testing. Allele origin: germline.
Comment: This variant results in a copy number gain of the genomic region encompassing exon(s) 1-4 of the MDH2 gene. This region includes the initiator codon of the gene. This copy number gain extends beyond the assayed region for this gene and therefore may encompass additional genes. As the precise location of this event is unknown, it may be in tandem or it may be located elsewhere in the genome. This variant has not been reported in the literature in individuals affected with MDH2-related conditions. In summary, the available evidence is currently insufficient to determine the role of this variant in disease. Therefore, it has been classified as a Variant of Uncertain Significance.